The following is an entry in ClinVar:

ClinVar aggregate classification (germline): Uncertain significance (1 of 4 stars; one submission).

Conditions:
Leber congenital amaurosis 1 (LCA1). Also called: AMAUROSIS CONGENITA OF LEBER I; RETINAL BLINDNESS, CONGENITAL; Congenital absence of the rods and cones; Leber's congenital tapetoretinal degeneration; Leber's congenital tapetoretinal dysplasia. Identifiers: Orphanet 65, MedGen C2931258, MONDO:0008764, OMIM 204000.
Cone-rod dystrophy 6 (CORD6). Also called: RETINAL CONE DYSTROPHY 2; Cone dystrophy progressive. Identifiers: Orphanet 1872, MedGen C1866293, MONDO:0011143, OMIM 601777.

Submission:

Labcorp Genetics (formerly Invitae), Labcorp
Classification: Uncertain significance for Leber congenital amaurosis 1; Cone-rod dystrophy 6. Last evaluated: 2025-04-16. Review status: criteria provided, single submitter. Criteria: Invitae Variant Classification Sherloc (09022015). Collection method: clinical testing. Allele origin: germline.
Comment: This sequence change replaces glycine, which is neutral and non-polar, with glutamic acid, which is acidic and polar, at codon 236 of the GUCY2D protein (p.Gly236Glu). This variant is present in population databases (rs762006599, gnomAD 0.002%). This variant has not been reported in the literature in individuals affected with GUCY2D-related conditions. Invitae Evidence Modeling of protein sequence and biophysical properties (such as structural, functional, and spatial information, amino acid conservation, physicochemical variation, residue mobility, and thermodynamic stability) indicates that this missense variant is not expected to disrupt GUCY2D protein function with a negative predictive value of 80%. In summary, the available evidence is currently insufficient to determine the role of this variant in disease. Therefore, it has been classified as a Variant of Uncertain Significance.

NM_000180.4(GUCY2D):c.707G>A (p.Gly236Glu)

Gene: GUCY2D (guanylate cyclase 2D, retinal; plus strand). Cytogenetic location: 17p13.1.
Variant type: single nucleotide variant.
Coding change: c.707G>A on transcript NM_000180.4 (MANE Select); coding-DNA position 707, G replaced by A.
Protein change: p.Gly236Glu; replaces glycine 236 with glutamic acid.
Molecular consequence: missense variant.
Genome position (GRCh38, 1-based): chr17:8,003,754, G>A. VCF-style: chr17-8003754-G-A. GRCh37 (hg19) VCF-style: chr17-7907072-G-A.
Other names: short protein forms G236E.
Identifiers: ClinVar variation 4787861 (VCV004787861.1).